The following is an entry in ClinVar:

ClinVar aggregate classification (germline): Likely benign. Review status: criteria provided, multiple submitters, no conflicts (2 of 4 stars). 4 submissions from 4 submitters: Likely benign (4). Last evaluated 2026-01-26.

Conditions:
Cohen syndrome (COH1). Also called: Cutis verticis gyrata, retinitis pigmentosa, and sensorineural deafness; PEPPER SYNDROME. Identifiers: Orphanet 193, MedGen C0265223, MONDO:0008999, OMIM 216550.
Inborn genetic diseases. Identifiers: MedGen C0950123, MeSH D030342.

Allele frequency attached by ClinVar (database versions not stated): gnomAD exomes 0.00004 and 0.00015; ExAC 0.00014; 1000 Genomes Project 30x 0.00016; 1000 Genomes Project 0.00020; ESP Exome Variant Server 0.00023; gnomAD 0.00042 and 0.00047; TOPMed 0.00054.
gnomAD v4.1: 135 of 1,603,010 alleles (0.0084%); highest among the groups gnomAD compares: African/African-American, 0.13%; no homozygotes.

Submissions (4):

Labcorp Genetics (formerly Invitae), Labcorp
Classification: Likely benign for Cohen syndrome. Last evaluated: 2026-01-26. Review status: criteria provided, single submitter. Criteria: Invitae Variant Classification Sherloc (09022015). Collection method: clinical testing. Allele origin: germline.

Blueprint Genetics
Classification: Likely benign. Last evaluated: 2024-11-06. Review status: criteria provided, single submitter. Criteria: ACMG Guidelines, 2015. Collection method: clinical testing. Allele origin: germline.

CeGaT Center for Human Genetics Tuebingen
Classification: Likely benign. Last evaluated: 2023-02-01. Review status: criteria provided, single submitter. Criteria: CeGaT Center For Human Genetics Tuebingen Variant Classification Criteria Version 2. Collection method: clinical testing. Allele origin: germline. Affected: yes. Observed: 1 variant allele.
Comment: VPS13B: BP4, BP7

Ambry Genetics
Classification: Likely benign for Inborn genetic diseases. Last evaluated: 2017-01-06. Review status: criteria provided, single submitter. Criteria: Ambry Variant Classification Scheme 2023. Collection method: clinical testing. Allele origin: germline.

NM_152564.5(VPS13B):c.711T>C (p.Arg237=)

Gene: VPS13B (vacuolar protein sorting 13 homolog B; plus strand). Cytogenetic location: 8q22.2.
Variant type: single nucleotide variant.
Coding change: c.711T>C on transcript NM_152564.5 (MANE Select); coding-DNA position 711, T replaced by C.
Protein change: p.Arg237=; no amino-acid change (arginine 237 retained).
Molecular consequence: synonymous variant. On other transcripts: non-coding transcript variant (1).
Genome position (GRCh38, 1-based): chr8:99,111,228, T>C. VCF-style: chr8-99111228-T-C. GRCh37 (hg19) VCF-style: chr8-100123456-T-C.
Other names: c.711T>C, p.Arg237= (NM_015243.3, NM_017890.5, NM_181661.3).
Identifiers: ClinVar variation 588633 (VCV000588633.78), dbSNP rs140808736, ClinGen allele CA4822450.